The following is an entry in ClinVar:

ClinVar aggregate classification (germline): Pathogenic (1 of 4 stars; one submission).

Allele frequency attached by ClinVar (database versions not stated): gnomAD exomes below 0.00001; ExAC 0.00003.

Submission:

Labcorp Genetics (formerly Invitae), Labcorp
Classification: Pathogenic. Last evaluated: 2021-11-19. Review status: criteria provided, single submitter. Criteria: Invitae Variant Classification Sherloc (09022015). Collection method: clinical testing. Allele origin: germline.
Comment: For these reasons, this variant has been classified as Pathogenic. This premature translational stop signal has been observed in individual(s) with schwannomatosis (PMID: 29384852). This variant is present in population databases (rs753997203, gnomAD 0.004%). This sequence change creates a premature translational stop signal (p.Ala25Profs*17) in the LZTR1 gene. It is expected to result in an absent or disrupted protein product. Loss-of-function variants in LZTR1 are known to be pathogenic (PMID: 24362817, 25335493, 25480913, 25795793, 29469822, 30442762, 30442766, 30481304, 30859559).

Literature cited by the submitters: PubMed 29384852; PubMed 24362817; PubMed 25335493; PubMed 25480913; PubMed 25795793; PubMed 29469822; PubMed 30442762; PubMed 30442766; PubMed 30481304; PubMed 30859559.

NM_006767.4(LZTR1):c.72del (p.Ala25fs)

Genes: LZTR1 (leucine zipper like post translational regulator 1; plus strand), LOC130067016 (ATAC-STARR-seq lymphoblastoid silent region 13504; plus strand). Cytogenetic location: 22q11.21.
Variant type: Deletion.
Coding change: c.72del on transcript NM_006767.4 (MANE Select); coding-DNA position 72, one base deleted (A; older notation c.72delA).
Protein change: p.Ala25fs; shifts the reading frame from alanine 25.
Molecular consequence: frameshift variant.
Genome position (GRCh38, 1-based): chr22:20,982,443, A deleted. VCF-style (leftmost placement, unchanged base first): chr22-20982442-TA-T. GRCh37 (hg19) VCF-style: chr22-21336731-TA-T.
Other names: short protein forms A25fs.
Identifiers: ClinVar variation 1458909 (VCV001458909.7), dbSNP rs753997203, ClinGen allele CA10118279.